The following is an entry in ClinVar:

NM_000245.4(MET):c.3840A>G (p.Gly1280=)

Gene: MET (MET proto-oncogene, receptor tyrosine kinase; plus strand). Cytogenetic location: 7q31.2.
Variant type: single nucleotide variant.
Coding change: c.3840A>G on transcript NM_000245.4 (MANE Select); coding-DNA position 3840, A replaced by G.
Protein change: p.Gly1280=; no amino-acid change (glycine 1280 retained).
Molecular consequence: synonymous variant.
Genome position (GRCh38, 1-based): chr7:116,795,696, A>G. VCF-style: chr7-116795696-A-G. GRCh37 (hg19) VCF-style: chr7-116435750-A-G.
Other names: c.3894A>G, p.Gly1298= (NM_001127500.3); c.2550A>G, p.Gly850= (NM_001324402.2).
Identifiers: ClinVar variation 3773076 (VCV003773076.1).

ClinVar aggregate classification (germline): Benign (1 of 4 stars; one submission).

Conditions:
Papillary renal cell carcinoma type 1 (RCCP1). Also called: Renal adenocarcinoma; Renal cell carcinoma 1; Renal cell carcinoma, somatic; RENAL CELL CARCINOMA, PAPILLARY, 1, SOMATIC. Identifiers: Orphanet 47044, MedGen C1336839, OMIM 605074, HP:0011797.

Submission:

Myriad Genetics, Inc.
Classification: Benign for Papillary renal cell carcinoma type 1. Last evaluated: 2024-11-14. Review status: criteria provided, single submitter. Criteria: Myriad Autosomal Dominant, Autosomal Recessive and X-Linked Classification Criteria (2023). Collection method: clinical testing. Allele origin: unknown.
Comment: This variant is considered benign. This variant is a silent/synonymous amino acid change and it is not expected to impact splicing.